The following is an entry in ClinVar:

ClinVar aggregate classification (germline): Pathogenic (0 of 4 stars; one submission).

Conditions:
Fanconi anemia complementation group A (FANCA). Also called: Fanconi anemia, group A; FANCA-Related Fanconi Anemia. Identifiers: Orphanet 84, MedGen C3469521, MONDO:0009215, OMIM 227650.

Submission:

Leiden Open Variation Database
Classification: Pathogenic for Fanconi anemia complementation group A. Last evaluated: 2020-02-28. Review status: no assertion criteria provided. Collection method: curation. Allele origin: germline. Affected: yes.
Comment: Curator: Arleen D. Auerbach. Submitter to LOVD: Arleen D. Auerbach.

Literature cited by the submitters: PubMed 25168418.

NC_000003.12:g.(10028722_10032831)_(10049506_10052386)del

Gene: FANCD2 (FA complementation group D2; plus strand). Cytogenetic location: 3p25.3.
Variant type: Deletion.
Identifiers: ClinVar variation 929653 (VCV000929653.1).